The following is an entry in ClinVar:

ClinVar aggregate classification (germline): Uncertain significance. Review status: criteria provided, multiple submitters, no conflicts (2 of 4 stars). 2 submissions from 2 submitters: Uncertain significance (2). Last evaluated 2024-03-06.

Conditions:
Pancreatic adenocarcinoma. Identifiers: MedGen C0281361, MONDO:0006047, HP:0006725.

Allele frequency attached by ClinVar (database versions not stated): gnomAD exomes below 0.00001; gnomAD 0.00001.
gnomAD v4.1: 2 of 1,614,000 alleles (0.00012%); highest among the groups gnomAD compares: Non-Finnish European, 0.00017%; no homozygotes.

Submissions (2):

Labcorp Genetics (formerly Invitae), Labcorp
Classification: Uncertain significance for Pancreatic adenocarcinoma. Last evaluated: 2024-03-06. Review status: criteria provided, single submitter. Criteria: Invitae Variant Classification Sherloc (09022015). Collection method: clinical testing. Allele origin: germline.
Comment: This sequence change replaces isoleucine, which is neutral and non-polar, with threonine, which is neutral and polar, at codon 605 of the PALLD protein (p.Ile605Thr). This variant is not present in population databases (gnomAD no frequency). This variant has not been reported in the literature in individuals affected with PALLD-related conditions. An algorithm developed to predict the effect of missense changes on protein structure and function (PolyPhen-2) suggests that this variant is likely to be tolerated. In summary, the available evidence is currently insufficient to determine the role of this variant in disease. Therefore, it has been classified as a Variant of Uncertain Significance.

Ambry Genetics
Classification: Uncertain significance. Last evaluated: 2023-11-08. Review status: criteria provided, single submitter. Criteria: Ambry Variant Classification Scheme 2023. Collection method: clinical testing. Allele origin: germline.
Comment: The p.I1092T variant (also known as c.3275T>C), located in coding exon 18 of the PALLD gene, results from a T to C substitution at nucleotide position 3275. The isoleucine at codon 1092 is replaced by threonine, an amino acid with similar properties. This amino acid position is conserved. In addition, this alteration is predicted to be deleterious by in silico analysis. Since supporting evidence is limited at this time, the clinical significance of this alteration remains unclear.

NM_001166108.2(PALLD):c.3326T>C (p.Ile1109Thr)

Genes: CBR4 (carbonyl reductase 4; minus strand), PALLD (palladin, cytoskeletal associated protein; plus strand). Cytogenetic location: 4q32.3.
Variant type: single nucleotide variant.
Coding change: c.3326T>C on transcript NM_001166108.2 (MANE Select); coding-DNA position 3326, T replaced by C.
Protein change: p.Ile1109Thr; replaces isoleucine 1109 with threonine.
Molecular consequence: missense variant.
Genome position (GRCh38, 1-based): chr4:168,925,046, T>C. VCF-style: chr4-168925046-T-C. GRCh37 (hg19) VCF-style: chr4-169846197-T-C.
Other names: c.3275T>C, p.Ile1092Thr (NM_016081.4); c.2129T>C, p.Ile710Thr (NM_001166109.2); c.1814T>C, p.Ile605Thr (NM_001166110.2); c.1154T>C, p.Ile385Thr (NM_001367567.1, NM_001367569.1); c.1205T>C, p.Ile402Thr (NM_001367568.1, NM_001367570.1); short protein forms I1092T, I1109T, I385T, I402T, I605T, I710T.
Identifiers: ClinVar variation 3226807 (VCV003226807.3), dbSNP rs1762302330, ClinGen allele CA358714231.
Genomic context (GRCh38, chr4:168,925,046, plus strand): 5'-AGGGAGCCACAAAAGAAGATGCTGGGTGGTATACTGTGTCAGCCAAGAATGAAGCAGGGA[T>C]TGTGTCCTGTACTGCCAGGCTGGACGTTTACAGTGAGTGCCACTTCATCTCATTTCATTG-3'
Protein context (NP_001159580.1, residues 1099-1119): YTVSAKNEAG[Ile1109Thr]VSCTARLDVY